The following is an entry in ClinVar:

ClinVar aggregate classification (germline): Likely benign. Review status: criteria provided, multiple submitters, no conflicts (2 of 4 stars). 3 submissions from 3 submitters: Likely benign (3). Last evaluated 2026-01-28.

Conditions:
CNTNAP2-related disorder. Also called: CNTNAP2-related condition.
Cortical dysplasia-focal epilepsy syndrome (PTHSL1). Also called: Pitt-Hopkins-like syndrome 1. Identifiers: Orphanet 163681, Orphanet 221150, MedGen C2750246, MONDO:0012400, OMIM 610042.

Allele frequency attached by ClinVar (database versions not stated): gnomAD exomes 0.00004 and 0.00006; TOPMed 0.00004; ExAC 0.00005; gnomAD 0.00007.
gnomAD v4.1: 67 of 1,613,928 alleles (0.0042%); highest among the groups gnomAD compares: South Asian, 0.0066%; no homozygotes.

Submissions (3):

Labcorp Genetics (formerly Invitae), Labcorp
Classification: Likely benign for Cortical dysplasia-focal epilepsy syndrome. Last evaluated: 2026-01-28. Review status: criteria provided, single submitter. Criteria: Invitae Variant Classification Sherloc (09022015). Collection method: clinical testing. Allele origin: germline.

PreventionGenetics, part of Exact Sciences
Classification: Likely benign for CNTNAP2-related condition. Last evaluated: 2025-10-02. Review status: criteria provided, single submitter. Criteria: ACMG Guidelines, 2015. Collection method: clinical testing. Allele origin: germline.
Comment: This variant is classified as likely benign based on ACMG/AMP sequence variant interpretation guidelines (Richards et al. 2015 PMID: 25741868, with internal and published modifications).

GeneDx
Classification: Likely benign. Last evaluated: 2016-02-24. Review status: criteria provided, single submitter. Criteria: GeneDx Variant Classification (06012015). Collection method: clinical testing. Allele origin: germline. Affected: yes.
Comment: This variant is considered likely benign or benign based on one or more of the following criteria: it is a conservative change, it occurs at a poorly conserved position in the protein, it is predicted to be benign by multiple in silico algorithms, and/or has population frequency not consistent with disease.

NM_014141.6(CNTNAP2):c.3360C>T (p.His1120=)

Gene: CNTNAP2 (contactin associated protein 2; plus strand). Cytogenetic location: 7q36.1.
Variant type: single nucleotide variant.
Coding change: c.3360C>T on transcript NM_014141.6 (MANE Select); coding-DNA position 3360, C replaced by T.
Protein change: p.His1120=; no amino-acid change (histidine 1120 retained).
Molecular consequence: synonymous variant.
Genome position (GRCh38, 1-based): chr7:148,229,758, C>T. VCF-style: chr7-148229758-C-T. GRCh37 (hg19) VCF-style: chr7-147926850-C-T.
Identifiers: ClinVar variation 377712 (VCV000377712.13), dbSNP rs563414260, ClinGen allele CA4546623.